The following is an entry in ClinVar:

NM_199420.4(POLQ):c.5830A>G (p.Arg1944Gly)

Gene: POLQ (DNA polymerase theta; minus strand). Cytogenetic location: 3q13.33.
Variant type: single nucleotide variant.
Coding change: c.5830A>G on transcript NM_199420.4 (MANE Select); coding-DNA position 5830, A replaced by G.
Protein change: p.Arg1944Gly; replaces arginine 1944 with glycine.
Molecular consequence: missense variant.
Genome position (GRCh38, 1-based): chr3:121,483,526, T>C on the plus strand (A>G on the coding strand, the complement: POLQ is on the minus strand). VCF-style: chr3-121483526-T-C. GRCh37 (hg19) VCF-style: chr3-121202373-T-C.
Other names: short protein forms R1944G.
Identifiers: ClinVar variation 1749974 (VCV001749974.2), dbSNP rs2546781786, ClinGen allele CA354088704.

ClinVar aggregate classification (germline): Uncertain significance (1 of 4 stars; one submission).

Submission:

Ambry Genetics
Classification: Uncertain significance. Last evaluated: 2022-02-06. Review status: criteria provided, single submitter. Criteria: Ambry Variant Classification Scheme 2023. Collection method: clinical testing. Allele origin: germline.
Comment: The p.R1944G variant (also known as c.5830A>G), located in coding exon 18 of the POLQ gene, results from an A to G substitution at nucleotide position 5830. The arginine at codon 1944 is replaced by glycine, an amino acid with dissimilar properties. This amino acid position is conserved. In addition, this alteration is predicted to be tolerated by in silico analysis. Since supporting evidence is limited at this time, the clinical significance of this alteration remains unclear.